The following is an entry in ClinVar:

ClinVar aggregate classification (germline): Uncertain significance. Review status: criteria provided, multiple submitters, no conflicts (2 of 4 stars). 2 submissions from 2 submitters: Uncertain significance (2). Last evaluated 2024-02-05.

Conditions:
ADULT syndrome. Also called: Acro-Dermo-Ungual-Lacrimal-Tooth Syndrome (ADULT Syndrome); ACRO-DERMATO-UNGUAL-LACRIMAL-TOOTH SYNDROME; Acro-dermato-ungual-lacrimal-tooth (adult) syndrome. Identifiers: Orphanet 978, MedGen C1863204, MONDO:0007072, OMIM 103285.
Limb-mammary syndrome (LMS). Also called: Mammary hypoplasia, ectrodactyly, and other hand/foot anomalies. Identifiers: Orphanet 69085, MedGen C1863753, MONDO:0011334, OMIM 603543.
Premature ovarian failure 21 (POF21). Identifiers: MedGen C5830399, MONDO:0957216, OMIM 620311.
Ankyloblepharon-ectodermal defects-cleft lip/palate syndrome. Also called: Ankyloblepharon-ectodermal defects, cleft lip/palate; HAY-WELLS SYNDROME; Hay-Wells syndrome of ectodermal dysplasia; AEC SYNDROME; Ankyloblepharon-Ectodermal Defects-Cleft Lip/Palate Syndrome (AEC Syndrome). Identifiers: Orphanet 1071, MedGen C0406709, MONDO:0007124, OMIM 106260.
Rapp-Hodgkin syndrome (RHS). Also called: ECTODERMAL DYSPLASIA, ANHIDROTIC, WITH CLEFT LIP/PALATE; Rapp-Hodgkin ectodermal dysplasia syndrome; Isolated Cleft Lip/Cleft Palate (Orofacial Cleft 8). Identifiers: MedGen C1785148, MONDO:0007508, OMIM 129400.
Split hand-foot malformation 4. Also called: Split-Hand/Foot Malformation Type 4 (SHFM4); Split-Hand/Foot Malformation Type 4 (SHFM4 syndrome). Identifiers: Orphanet 2440, MedGen C1854442, MONDO:0011535, OMIM 605289.
Orofacial cleft 8. Also called: Cleft lip with or without cleft palate, nonsyndromic, 8. Identifiers: MedGen C1851878, MONDO:0029145, OMIM 618149.
Ectrodactyly, ectodermal dysplasia, and cleft lip-palate syndrome 3. Also called: EEC SYNDROME 3; Ectrodactyly, Ectodermal Dysplasia, Cleft Lip/Palate Syndrome 3 (EEC3); Ectrodactyly, Ectodermal Dysplasia, Clefting Syndrome; Ectrodactyly, Ectodermal Dysplasia, Clefting Syndrome Type 3 (EEC3). Identifiers: Orphanet 1896, MedGen C1858562, MONDO:0011428, OMIM 604292.
TP63-Related Spectrum Disorders.

Allele frequency attached by ClinVar (database versions not stated): gnomAD 0.00002; gnomAD exomes 0.00002; TOPMed 0.00002.
gnomAD v4.1: 27 of 1,613,800 alleles (0.0017%); highest among the groups gnomAD compares: Middle Eastern, 0.016%; no homozygotes.

Submissions (2):

Labcorp Genetics (formerly Invitae), Labcorp
Classification: Uncertain significance. Last evaluated: 2024-02-05. Review status: criteria provided, single submitter. Criteria: Invitae Variant Classification Sherloc (09022015). Collection method: clinical testing. Allele origin: germline.
Comment: This sequence change replaces glycine, which is neutral and non-polar, with serine, which is neutral and polar, at codon 635 of the TP63 protein (p.Gly635Ser). This variant is present in population databases (no rsID available, gnomAD 0.002%). This variant has not been reported in the literature in individuals affected with TP63-related conditions. ClinVar contains an entry for this variant (Variation ID: 2175402). Advanced modeling of protein sequence and biophysical properties (such as structural, functional, and spatial information, amino acid conservation, physicochemical variation, residue mobility, and thermodynamic stability) has been performed at Invitae for this missense variant, however the output from this modeling did not meet the statistical confidence thresholds required to predict the impact of this variant on TP63 protein function. This variant disrupts the p.Gly635 amino acid residue in TP63. Other variant(s) that disrupt this residue have been determined to be pathogenic (PMID: 24675753). This suggests that this residue is clinically significant, and that variants that disrupt this residue are likely to be disease-causing. In summary, the available evidence is currently insufficient to determine the role of this variant in disease. Therefore, it has been classified as a Variant of Uncertain Significance.

Juno Genomics, Hangzhou Juno Genomics, Inc
Classification: Uncertain significance for Split hand-foot malformation 4; Premature ovarian failure 21; ADULT syndrome; Ectrodactyly, ectodermal dysplasia, and cleft lip-palate syndrome 3; Ankyloblepharon-ectodermal defects-cleft lip/palate syndrome; Limb-mammary syndrome; Orofacial cleft 8; Rapp-Hodgkin syndrome. Review status: criteria provided, single submitter. Criteria: ACMG Guidelines, 2015. Collection method: clinical testing. Allele origin: germline.
Comment: Absent from controls (or at extremely low frequency if recessive) in Genome Aggregation Database.;Missense variant in a gene that has a low rate of benign missense variation.

Literature cited by the submitters: PubMed 24675753 (cited by Labcorp Genetics (formerly Invitae), Labcorp).

NM_003722.5(TP63):c.1903G>A (p.Gly635Ser)

Gene: TP63 (tumor protein p63; plus strand). Cytogenetic location: 3q28.
Variant type: single nucleotide variant.
Coding change: c.1903G>A on transcript NM_003722.5 (MANE Select); coding-DNA position 1903, G replaced by A.
Protein change: p.Gly635Ser; replaces glycine 635 with serine.
Molecular consequence: missense variant. On other transcripts: 3 prime UTR variant (6).
Genome position (GRCh38, 1-based): chr3:189,894,362, G>A. VCF-style: chr3-189894362-G-A. GRCh37 (hg19) VCF-style: chr3-189612151-G-A.
Other names: c.*141G>A (NM_001114978.2, NM_001114981.2); c.1621G>A, p.Gly541Ser (NM_001114980.2); c.*131G>A (NM_001329144.2, NM_001329145.2, NM_001329149.2 and 1 more transcripts); c.1366G>A, p.Gly456Ser (NM_001329146.2); c.1891G>A, p.Gly631Ser (NM_001329148.2); c.1897G>A, p.Gly633Ser (NM_001329964.2); short protein forms G633S, G635S, G631S, G456S, G541S.
Identifiers: ClinVar variation 2175402 (VCV002175402.5), dbSNP rs1242688206, ClinGen allele CA355751440.